The following is an entry in ClinVar:

ClinVar aggregate classification (germline): Uncertain significance (1 of 4 stars; one submission).

Conditions:
Hypoproteinemia, hypercatabolic (IMD43). Also called: IMMUNODEFICIENCY 43; BETA-2-MICROGLOBULIN DEFICIENCY; B2M DEFICIENCY; MHC CLASS I DEFICIENCY 4. Identifiers: MedGen C1855796, MONDO:0009434, OMIM 241600.

Submission:

Labcorp Genetics (formerly Invitae), Labcorp
Classification: Uncertain significance for Hypoproteinemia, hypercatabolic. Last evaluated: 2021-12-20. Review status: criteria provided, single submitter. Criteria: Invitae Variant Classification Sherloc (09022015). Collection method: clinical testing. Allele origin: germline.
Comment: Experimental studies and prediction algorithms are not available or were not evaluated, and the functional significance of this variant is currently unknown. This variant has not been reported in the literature in individuals affected with B2M-related conditions. This variant results in a copy number gain of the genomic region encompassing exon(s) 2-3 of the B2M gene. This region includes the termination codon of the gene. This copy number gain extends beyond the assayed region for this gene and therefore may encompass additional genes. As the precise location of this event is unknown, it may be in tandem or it may be located elsewhere in the genome. In summary, the available evidence is currently insufficient to determine the role of this variant in disease. Therefore, it has been classified as a Variant of Uncertain Significance.

NC_000015.9:g.(?_45007601)_(45008540_?)dup

Gene: B2M (beta-2-microglobulin; plus strand). Cytogenetic location: 15q21.1.
Variant type: Duplication.
Identifiers: ClinVar variation 2425014 (VCV002425014.4).